The following is an entry in ClinVar:

NM_014251.3(SLC25A13):c.1781G>A (p.Gly594Asp)

Gene: SLC25A13 (solute carrier family 25 member 13; minus strand). Cytogenetic location: 7q21.3.
Variant type: single nucleotide variant.
Coding change: c.1781G>A on transcript NM_014251.3 (MANE Select); coding-DNA position 1781, G replaced by A.
Protein change: p.Gly594Asp; replaces glycine 594 with aspartic acid.
Molecular consequence: missense variant. On other transcripts: non-coding transcript variant (1).
Genome position (GRCh38, 1-based): chr7:96,121,715, C>T on the plus strand (G>A on the coding strand, the complement: SLC25A13 is on the minus strand). VCF-style: chr7-96121715-C-T. GRCh37 (hg19) VCF-style: chr7-95751027-C-T.
Other names: c.1784G>A, p.Gly595Asp (NM_001160210.2); short protein forms G594D, G595D.
Identifiers: ClinVar variation 4741268 (VCV004741268.1).

ClinVar aggregate classification (germline): Likely pathogenic (1 of 4 stars; one submission).

Conditions:
Citrin deficiency. Identifiers: Orphanet 247582, MedGen C1997910, MONDO:0016602.

gnomAD v4.1: 19 of 1,613,908 alleles (0.0012%); highest among the groups gnomAD compares: African/African-American, 0.021%; no homozygotes.

Submission:

Labcorp Genetics (formerly Invitae), Labcorp
Classification: Likely pathogenic for Citrin deficiency. Last evaluated: 2025-10-13. Review status: criteria provided, single submitter. Criteria: Invitae Variant Classification Sherloc (09022015). Collection method: clinical testing. Allele origin: germline.
Comment: This sequence change replaces glycine, which is neutral and non-polar, with aspartic acid, which is acidic and polar, at codon 594 of the SLC25A13 protein (p.Gly594Asp). This variant is present in population databases (rs373632138, gnomAD 0.03%). This missense change has been observed in individual(s) with citrin deficiency (PMID: 33137944; internal data). Invitae Evidence Modeling of protein sequence and biophysical properties (such as structural, functional, and spatial information, amino acid conservation, physicochemical variation, residue mobility, and thermodynamic stability) indicates that this missense variant is expected to disrupt SLC25A13 protein function with a positive predictive value of 95%. In summary, the currently available evidence indicates that the variant is pathogenic, but additional data are needed to prove that conclusively. Therefore, this variant has been classified as Likely Pathogenic.

Literature cited by the submitters: PubMed 33137944.